The following is an entry in ClinVar:

ClinVar aggregate classification (germline): Pathogenic. Review status: reviewed by expert panel (3 of 4 stars). 24 submissions from 24 submitters: Pathogenic (1). 23 of the submissions do not count toward it. Last evaluated 2016-12-15.

Conditions:
MYH7-related disorder. Also called: MYH7-related disorders; MYH7-related condition; MYH7-related disease.
Dilated cardiomyopathy 1S (CMD1S). Identifiers: Orphanet 154, Orphanet 54260, MedGen C1834481, MONDO:0013262, OMIM 613426.
Hypertrophic cardiomyopathy 1 (CMH1). Also called: MYH7-Related Familial Hypertrophic Cardiomyopathy; Familial hypertrophic cardiomyopathy 1. Identifiers: MedGen C3495498, MONDO:0008647, OMIM 192600.
Myosin storage myopathy (CMYO7A). Also called: MYOPATHY WITH LYSIS OF TYPE I MYOFIBRILS; MYOPATHY, HYALINE BODY, AUTOSOMAL DOMINANT; SCAPULOPERONEAL MUSCULAR DYSTROPHY; SCAPULOPERONEAL SYNDROME, MYOPATHIC TYPE; MYH7-related late-onset scapuloperoneal muscular dystrophy; Congenital myopathy 7A, myosin storage, autosomal dominant. Identifiers: Orphanet 437572, Orphanet 636965, MedGen C1842160, MONDO:0008409, OMIM 608358.
MYH7-related skeletal myopathy. Also called: Myopathy, distal, 1; Laing early-onset distal myopathy; Laing distal myopathy; MYOPATHY, DISTAL, EARLY-ONSET, AUTOSOMAL DOMINANT; MYOPATHY, LATE DISTAL HEREDITARY. Identifiers: Orphanet 59135, MedGen C4552004, MONDO:0008050, OMIM 160500.
Congenital myopathy with fiber type disproportion. Also called: Congenital fiber-type disproportion myopathy; Congenital fiber-type disproportion. Identifiers: Orphanet 2020, MedGen C0546264, MONDO:0009711. Inheritance: all.
Myopathy, myosin storage, autosomal recessive (CMYO7B). Also called: CONGENITAL MYOPATHY 7B, MYOSIN STORAGE, AUTOSOMAL RECESSIVE. Identifiers: Orphanet 636970, MedGen C1850709, MONDO:0009708, OMIM 255160.
Cardiovascular phenotype. Identifiers: MedGen CN230736.
Cardiomyopathy (CMYO). Also called: Cardiomyopathies. Identifiers: Orphanet 167848, MedGen C0878544, MONDO:0004994, HP:0001638. Inheritance: Various modes of inheritance.
Primary familial hypertrophic cardiomyopathy (HCM). Identifiers: Orphanet 99739, MedGen C0949658, MeSH D024741, MONDO:0024573. Inheritance: Various modes of inheritance.
Hypertrophic cardiomyopathy. Also called: HYPERTROPHIC MYOCARDIOPATHY. Identifiers: Orphanet 217569, MedGen C0007194, MeSH D002312, MONDO:0005045, HP:0001639.

Allele frequency attached by ClinVar (database versions not stated): TOPMed below 0.00001; gnomAD 0.00001; gnomAD exomes 0.00001.
gnomAD v4.1: 5 of 1,613,700 alleles (0.00031%); highest among the groups gnomAD compares: African/African-American, 0.0013%; no homozygotes.

Submissions 1 to 4 of 24:

ClinGen Cardiomyopathy Variant Curation Expert Panel
Classification: Pathogenic for Hypertrophic cardiomyopathy. Last evaluated: 2016-12-15. Review status: reviewed by expert panel. Criteria: ClinGen CMP ACMG Specifications v1. Collection method: curation. Allele origin: germline. Inheritance: Autosomal dominant inheritance.
Comment: The c.2155C>T (p.Arg719Trp) variant in MYH7 has been reported in >20 individuals with hypertrophic cardiomyopathy (PS4; PMID:9829907; PMID:8282798; PMID:9822100; PMID:12974739; PMID:22429680; PMID:23816408; PMID:12707239; PMID:19645038; PMID:27532257; SHaRe consortium, PMID: 30297972; Partners LMM ClinVar SCV000059419.5 ), including 1 de novo occurrence (PS2; 10957787). This variant was found to segregate with disease in 8 affected family members (PP1_Strong; PMID:9829907; PMID:8282798; PMID:9822100; PMID:12974739; SHaRe consortium, PMID: 30297972). A mouse model indicates that this variant disrupts the function of MYH7 and leads to a phenotype consistent with HCM (PS3: PMID:24829265). This variant was absent from large population studies (PM2). This variant lies in the head region of the protein (aa 181-937) and missense variants in this region are statistically more likely to be disease-associated (PM1; PMID:27532257). Computational prediction tools and conservation analysis suggest that this variant may impact the protein (PP3). A different pathogenic missense variant has been previously identified at this codon which may indicate that this residue is critical to the function of the protein (PM5; c.2156G>A p.Arg719Gln - Variation ID 14107). In summary, this variant meets criteria to be classified as pathogenic for hypertrophic cardiomyopathy in an autosomal dominant manner. MYH7-specific ACMG/AMP criteria applied (PMID:29300372): PS2; PS3; PS4; PP1_ Strong; PM1; PM2; PM5; PP3

PreventionGenetics, part of Exact Sciences
Classification: Pathogenic for MYH7-related condition. Last evaluated: 2026-07-07. Review status: criteria provided, single submitter. Criteria: ACMG Guidelines, 2015. Collection method: clinical testing. Allele origin: germline. Not counted in ClinVar's aggregate classification.
Comment: The MYH7 c.2155C>T variant is predicted to result in the amino acid substitution p.Arg719Trp. This variant has been reported in more than 20 individuals with hypertrophic cardiomyopathy (Table S1B, Walsh et al. 2017. PubMed ID: 27532257). It has been reported as a de novo event (Döhlemann et al. 2000. PubMed ID: 10957787) and has been documented to segregate with disease in families with hypertrophic cardiomyopathy (Anan et al. 1994. PubMed ID: 8282798; Ho et al. 2018. PubMed ID: 30297972; Jääskeläinen et al. 1998. PubMed ID: 9822100). An in vivo experimental study using mice that are heterozygous for this variant demonstrate ventricular hypertrophy (Blankenburg et al. 2014. PubMed ID: 24829265). Additionally, different missense substitutions affecting the same amino acid (p.Arg719Gln, p.Arg719Pro, p.Arg719Leu) have been reported as pathogenic (Human Gene Mutation Database). This variant is reported in 0.0065% of alleles in individuals of European (non-Finnish) descent in gnomAD and has been classified as pathogenic by an expert panel in ClinVar (Variation ID: 14104). Based on these observations, the MYH7 c.2155C>T variant is interpreted as pathogenic.

Labcorp Genetics (formerly Invitae), Labcorp
Classification: Pathogenic for Hypertrophic cardiomyopathy. Last evaluated: 2025-12-29. Review status: criteria provided, single submitter. Criteria: Invitae Variant Classification Sherloc (09022015). Collection method: clinical testing. Allele origin: germline. Not counted in ClinVar's aggregate classification.
Comment: This sequence change replaces arginine, which is basic and polar, with tryptophan, which is neutral and slightly polar, at codon 719 of the MYH7 protein (p.Arg719Trp). This variant is present in population databases (rs121913637, gnomAD 0.007%). This missense change has been observed in individual(s) with hypertrophic cardiomyopathy (PMID: 8282798, 9544842, 9822100, 11904418, 12707239, 16504640, 19651039, 21769673). In at least one individual the variant was observed to be de novo. It has also been observed to segregate with disease in related individuals. ClinVar contains an entry for this variant (Variation ID: 14104). Invitae Evidence Modeling of protein sequence and biophysical properties (such as structural, functional, and spatial information, amino acid conservation, physicochemical variation, residue mobility, and thermodynamic stability) indicates that this missense variant is expected to disrupt MYH7 protein function with a positive predictive value of 95%. Experimental studies have shown that this missense change affects MYH7 function (PMID: 10882745, 11904418, 19651039). This variant is found within a region of MYH7 between codons 181 and 937 that contains the majority of the myosin head domain. Missense variants in this region have been shown to be significantly overrepresented in individuals with hypertrophic cardiomyopathy (PMID: 27532257). For these reasons, this variant has been classified as Pathogenic.

Ambry Genetics
Classification: Pathogenic for Cardiovascular phenotype. Last evaluated: 2025-04-08. Review status: criteria provided, single submitter. Criteria: Ambry Variant Classification Scheme 2023. Collection method: clinical testing. Allele origin: germline. Not counted in ClinVar's aggregate classification.
Comment: The p.R719W pathogenic mutation (also known as c.2155C>T), located in coding exon 17 of the MYH7 gene, results from a C to T substitution at nucleotide position 2155. The arginine at codon 719 is replaced by tryptophan, an amino acid with dissimilar properties. This alteration is located in the myosin head domain, which contains a statistically significant clustering of pathogenic missense variants (Homburger JR et al. Proc Natl Acad Sci U S A, 2016 06;113:6701-6; Walsh R et al. Genet Med, 2017 02;19:192-203; Ambry internal data). This variant was identified in one or more individuals with features consistent with hypertrophic cardiomyopathy (HCM) and segregated with disease in at least one family (Anan et al. J Clin Invest. 1994; 93:280; Zhao Y et al. Int. J. Mol. Med., 2016 Jun;37:1511-20; Ingles J et al. Circ Cardiovasc Genet, 2017 Apr;10; Zhang L et al. Front Pediatr, 2020 Jun;8:312). This variant was determined to be de novo in at least one individual with features consistent with HCM (Jeschke B et al. Hum Genet. 1998;102:299-304). In an assay testing MYH7 function, this variant showed a functionally abnormal result (Seebohm B et al. Biophys J. 2009;97:806-24). This amino acid position is well conserved in available vertebrate species. In addition, this alteration is predicted to be deleterious by in silico analysis. Based on the supporting evidence, this alteration is interpreted as a disease-causing mutation.

NM_000257.4(MYH7):c.2155C>T (p.Arg719Trp)

Gene: MYH7 (myosin heavy chain 7; minus strand). Cytogenetic location: 14q11.2.
Variant type: single nucleotide variant.
Coding change: c.2155C>T on transcript NM_000257.4 (MANE Select); coding-DNA position 2155, C replaced by T.
Protein change: p.Arg719Trp; replaces arginine 719 with tryptophan.
Molecular consequence: missense variant.
Genome position (GRCh38, 1-based): chr14:23,425,971, G>A on the plus strand (C>T on the coding strand, the complement: MYH7 is on the minus strand). VCF-style: chr14-23425971-G-A. GRCh37 (hg19) VCF-style: chr14-23895180-G-A.
Other names: p.R719W:CGG>TGG; NM_000257.3(MYH7):c.2155C>T; short protein forms R719W.
Identifiers: ClinVar variation 14104 (VCV000014104.52), dbSNP rs121913637, ClinGen allele CA011779.